The following is an entry in ClinVar:

ClinVar aggregate classification (germline): Uncertain significance (1 of 4 stars; one submission).

Conditions:
Joubert syndrome 15 (JBTS15). Identifiers: Orphanet 475, MedGen C3280897, MONDO:0013763, OMIM 614464.

Submission:

Labcorp Genetics (formerly Invitae), Labcorp
Classification: Uncertain significance for Joubert syndrome 15. Last evaluated: 2020-03-02. Review status: criteria provided, single submitter. Criteria: Invitae Variant Classification Sherloc (09022015). Collection method: clinical testing. Allele origin: germline.
Comment: This sequence change replaces serine with glycine at codon 233 of the CEP41 protein (p.Ser233Gly). The serine residue is highly conserved and there is a small physicochemical difference between serine and glycine. This variant is not present in population databases (ExAC no frequency). This variant has not been reported in the literature in individuals with CEP41-related conditions. Algorithms developed to predict the effect of missense changes on protein structure and function (SIFT, PolyPhen-2, Align-GVGD) all suggest that this variant is likely to be tolerated, but these predictions have not been confirmed by published functional studies and their clinical significance is uncertain. In summary, the available evidence is currently insufficient to determine the role of this variant in disease. Therefore, it has been classified as a Variant of Uncertain Significance.

NM_018718.3(CEP41):c.697A>G (p.Ser233Gly)

Gene: CEP41 (centrosomal protein 41; minus strand). Cytogenetic location: 7q32.2.
Variant type: single nucleotide variant.
Coding change: c.697A>G on transcript NM_018718.3 (MANE Select); coding-DNA position 697, A replaced by G.
Protein change: p.Ser233Gly; replaces serine 233 with glycine.
Molecular consequence: missense variant. On other transcripts: non-coding transcript variant (1).
Genome position (GRCh38, 1-based): chr7:130,400,767, T>C on the plus strand (A>G on the coding strand, the complement: CEP41 is on the minus strand). VCF-style: chr7-130400767-T-C. GRCh37 (hg19) VCF-style: chr7-130040608-T-C.
Other names: c.697A>G, p.Ser233Gly (NM_001257158.2); c.649A>G, p.Ser217Gly (NM_001257159.2); short protein forms S217G, S233G.
Identifiers: ClinVar variation 1044773 (VCV001044773.8), dbSNP rs1796819026, ClinGen allele CA369287885.
Genomic context (GRCh38, chr7:130,400,767, plus strand): 5'-CTCCGGAAAGCATGAAGAGGTTTTCAAATCCACGCTCGCACATGGTGGTGGCCGCCTGAC[T>C]GGCCAGCCTTTCATCATCGTCATACAGAATGATGATCTTGCCATGGGCATTTTTCTAAGA-3'
Protein context (NP_061188.1, residues 223-243): ILYDDDERLA[Ser233Gly]QAATTMCERG